The following is an entry in ClinVar:

ClinVar aggregate classification (germline): Uncertain significance (1 of 4 stars; one submission).

gnomAD v4.1: 1 of 1,567,482 alleles (0.000064%); highest among the groups gnomAD compares: Non-Finnish European, 0.000087%; no homozygotes.

Submission:

Labcorp Genetics (formerly Invitae), Labcorp
Classification: Uncertain significance. Last evaluated: 2024-05-06. Review status: criteria provided, single submitter. Criteria: Invitae Variant Classification Sherloc (09022015). Collection method: clinical testing. Allele origin: germline.
Comment: This sequence change replaces proline, which is neutral and non-polar, with arginine, which is basic and polar, at codon 17 of the SMARCA2 protein (p.Pro17Arg). This variant is not present in population databases (gnomAD no frequency). This variant has not been reported in the literature in individuals affected with SMARCA2-related conditions. Advanced modeling of protein sequence and biophysical properties (such as structural, functional, and spatial information, amino acid conservation, physicochemical variation, residue mobility, and thermodynamic stability) performed at Invitae indicates that this missense variant is not expected to disrupt SMARCA2 protein function with a negative predictive value of 80%. In summary, the available evidence is currently insufficient to determine the role of this variant in disease. Therefore, it has been classified as a Variant of Uncertain Significance.

NM_003070.5(SMARCA2):c.50C>G (p.Pro17Arg)

Gene: SMARCA2 (SWI/SNF related BAF chromatin remodeling complex subunit ATPase 2; plus strand). Cytogenetic location: 9p24.3.
Variant type: single nucleotide variant.
Coding change: c.50C>G on transcript NM_003070.5 (MANE Select); coding-DNA position 50, C replaced by G.
Protein change: p.Pro17Arg; replaces proline 17 with arginine.
Molecular consequence: missense variant.
Genome position (GRCh38, 1-based): chr9:2,029,072, C>G. VCF-style: chr9-2029072-C-G. GRCh37 (hg19) VCF-style: chr9-2029072-C-G.
Other names: c.50C>G, p.Pro17Arg (NM_139045.4, NM_001289396.2, NM_001289397.2); short protein forms P17R.
Identifiers: ClinVar variation 3651387 (VCV003651387.2).